The following is an entry in ClinVar:

ClinVar aggregate classification (germline): Uncertain significance (1 of 4 stars; one submission).

Submission:

Women's Health and Genetics/Laboratory Corporation of America, LabCorp
Classification: Uncertain significance. Last evaluated: 2025-11-04. Review status: criteria provided, single submitter. Criteria: LabCorp Variant Classification Summary - May 2015. Collection method: clinical testing. Allele origin: germline.
Comment: Variant summary: NOTCH3 c.1738G>A (p.Glu580Lys) results in a conservative amino acid change in the encoded protein sequence. Algorithms developed to predict the effect of missense changes on protein structure and function are either unavailable or do not agree on the potential impact of this missense change. The variant allele was found at a frequency of 8e-06 in 250614 control chromosomes. The available data on variant occurrences in the general population are insufficient to allow any conclusion about variant significance. To our knowledge, no occurrence of c.1738G>A in individuals affected with NOTCH3-related conditions and no experimental evidence demonstrating its impact on protein function have been reported. No submitters have cited clinical-significance assessments for this variant to ClinVar. Based on the evidence outlined above, the variant was classified as uncertain significance.

NM_000435.3(NOTCH3):c.1738G>A (p.Glu580Lys)

Gene: NOTCH3 (notch receptor 3; minus strand). Cytogenetic location: 19p13.12.
Variant type: single nucleotide variant.
Coding change: c.1738G>A on transcript NM_000435.3 (MANE Select); coding-DNA position 1738, G replaced by A.
Protein change: p.Glu580Lys; replaces glutamic acid 580 with lysine.
Molecular consequence: missense variant.
Genome position (GRCh38, 1-based): chr19:15,187,207, C>T on the plus strand (G>A on the coding strand, the complement: NOTCH3 is on the minus strand). VCF-style: chr19-15187207-C-T. GRCh37 (hg19) VCF-style: chr19-15298018-C-T.
Other names: short protein forms E580K.
Identifiers: ClinVar variation 4537083 (VCV004537083.1).